The following is an entry in ClinVar:

NM_032578.4(MYPN):c.991G>A (p.Ala331Thr)

Gene: MYPN (myopalladin; plus strand). Cytogenetic location: 10q21.3.
Variant type: single nucleotide variant.
Coding change: c.991G>A on transcript NM_032578.4 (MANE Select); coding-DNA position 991, G replaced by A.
Protein change: p.Ala331Thr; replaces alanine 331 with threonine.
Molecular consequence: missense variant. On other transcripts: non-coding transcript variant (2).
Genome position (GRCh38, 1-based): chr10:68,143,028, G>A. VCF-style: chr10-68143028-G-A. GRCh37 (hg19) VCF-style: chr10-69902785-G-A.
Other names: c.991G>A, p.Ala331Thr (NM_001256267.2); c.109G>A, p.Ala37Thr (NM_001256268.2); short protein forms A331T, A37T.
Identifiers: ClinVar variation 3897437 (VCV003897437.1).

ClinVar aggregate classification (germline): Uncertain significance (1 of 4 stars; one submission).

Submission:

GeneDx
Classification: Uncertain significance. Last evaluated: 2024-10-31. Review status: criteria provided, single submitter. Criteria: GeneDx Variant Classification Process June 2021. Collection method: clinical testing. Allele origin: germline. Affected: yes.
Comment: Not observed at significant frequency in large population cohorts (gnomAD); In silico analysis supports that this missense variant has a deleterious effect on protein structure/function; Has not been previously published as pathogenic or benign to our knowledge